The following is an entry in ClinVar:

ClinVar aggregate classification (germline): Uncertain significance (1 of 4 stars; one submission).

Conditions:
Inborn genetic diseases. Identifiers: MedGen C0950123, MeSH D030342.

Submission:

Ambry Genetics
Classification: Uncertain significance for Inborn genetic diseases. Last evaluated: 2025-07-03. Review status: criteria provided, single submitter. Criteria: Ambry Variant Classification Scheme 2023. Collection method: clinical testing. Allele origin: germline.
Comment: The p.A397S variant (also known as c.1189G>T), located in coding exon 7 of the ETV6 gene, results from a G to T substitution at nucleotide position 1189. The alanine at codon 397 is replaced by serine, an amino acid with similar properties. This amino acid position is conserved. In addition, the in silico prediction for this alteration is inconclusive. Based on the available evidence, the clinical significance of this variant remains unclear.

NM_001987.5(ETV6):c.1189G>T (p.Ala397Ser)

Gene: ETV6 (ETS variant transcription factor 6; plus strand). Cytogenetic location: 12p13.2.
Variant type: single nucleotide variant.
Coding change: c.1189G>T on transcript NM_001987.5 (MANE Select); coding-DNA position 1189, G replaced by T.
Protein change: p.Ala397Ser; replaces alanine 397 with serine.
Molecular consequence: missense variant. On other transcripts: intron variant (1).
Genome position (GRCh38, 1-based): chr12:11,885,962, G>T. VCF-style: chr12-11885962-G-T. GRCh37 (hg19) VCF-style: chr12-12038896-G-T.
Other names: c.1186G>T, p.Ala396Ser (NM_001413913.1); c.1162G>T, p.Ala388Ser (NM_001413914.1); c.925G>T, p.Ala309Ser (NM_001413915.1); c.1010-4979G>T (NM_001413917.1); short protein forms A397S, A309S, A396S, A388S.
Identifiers: ClinVar variation 4251443 (VCV004251443.1).
Genomic context (GRCh38, chr12:11,885,962, plus strand): 5'-TCCCTTCCTCCTTTGAACAAACAGAACAGAACAAACATGACCTATGAGAAAATGTCCAGA[G>T]CCCTGCGCCACTACTACAAACTAAACATTATCAGGAAGGAGCCAGGACAAAGGCTTTTGT-3'
Protein context (NP_001978.1, residues 387-407): TNMTYEKMSR[Ala397Ser]LRHYYKLNII